The following is an entry in ClinVar:

ClinVar aggregate classification (germline): Uncertain significance (1 of 4 stars; one submission).

Conditions:
Desmin-related myofibrillar myopathy (MFM1). Also called: Desmin related myopathy (former name); Desmin storage myopathy (former name); Myofibrillar myopathy 1; Desminopathy; MYOFIBRILLAR MYOPATHY WITH ARRHYTHMOGENIC RIGHT VENTRICULAR CARDIOMYOPATHY; DESMIN-RELATED MYOPATHY WITH ARRHYTHMOGENIC RIGHT VENTRICULAR CARDIOMYOPATHY. Identifiers: Orphanet 363543, Orphanet 98909, MedGen C1832370, MONDO:0011076, OMIM 601419.

Submission:

Labcorp Genetics (formerly Invitae), Labcorp
Classification: Uncertain significance for Desmin-related myofibrillar myopathy. Last evaluated: 2022-05-18. Review status: criteria provided, single submitter. Criteria: Invitae Variant Classification Sherloc (09022015). Collection method: clinical testing. Allele origin: germline.
Comment: This sequence change falls in intron 8 of the DES gene. It does not directly change the encoded amino acid sequence of the DES protein. It affects a nucleotide within the consensus splice site. This variant is not present in population databases (gnomAD no frequency). In summary, the available evidence is currently insufficient to determine the role of this variant in disease. Therefore, it has been classified as a Variant of Uncertain Significance. Variants that disrupt the consensus splice site are a relatively common cause of aberrant splicing (PMID: 17576681, 9536098). Algorithms developed to predict the effect of sequence changes on RNA splicing suggest that this variant is not likely to affect RNA splicing. This variant has not been reported in the literature in individuals affected with DES-related conditions.

Literature cited by the submitters: PubMed 17576681; PubMed 9536098.

NM_001927.4(DES):c.1372-3C>T

Gene: DES (desmin; plus strand). Cytogenetic location: 2q35.
Variant type: single nucleotide variant.
Coding change: c.1372-3C>T on transcript NM_001927.4 (MANE Select); 3 bases into the intron before coding-DNA position 1372, C replaced by T.
Molecular consequence: intron variant.
Genome position (GRCh38, 1-based): chr2:219,425,946, C>T. VCF-style: chr2-219425946-C-T. GRCh37 (hg19) VCF-style: chr2-220290668-C-T.
Other names: c.1371+201C>T (NM_001382712.1); c.1351-3C>T (NM_001382711.1); c.1303-3C>T (NM_001382710.1); c.940-3C>T (NM_001382709.1); c.1369-3C>T (NM_001382708.1); c.1102-3C>T (NM_001382713.1).
Identifiers: ClinVar variation 2058123 (VCV002058123.4), dbSNP rs878969501, ClinGen allele CA2580065935.
Genomic context (GRCh38, chr2:219,425,946, plus strand): 5'-TCAGGGCTGAGGCTCCATTCTCTGGCTAGCACATGGTTGGACTGGGCTTCTCTTCCTCCC[C>T]AGGTCGTCAGTGAGGCCACACAGCAGCAGCATGAAGTGCTCTAAAGACAGAGACCCTCTG-3'